The following is an entry in ClinVar:

ClinVar aggregate classification (germline): Uncertain significance. Review status: criteria provided, multiple submitters, no conflicts (2 of 4 stars). 2 submissions from 2 submitters: Uncertain significance (2). Last evaluated 2025-03-17.

Conditions:
LRP2-related disorder. Also called: LRP2-related condition.

Submissions (2):

PreventionGenetics, part of Exact Sciences
Classification: Uncertain significance for LRP2-related condition. Last evaluated: 2025-03-17. Review status: criteria provided, single submitter. Criteria: ACMG Guidelines, 2015. Collection method: clinical testing. Allele origin: germline.
Comment: The LRP2 c.6307_6312dup6 variant is predicted to result in an in-frame duplication (p.Asp2103_Val2104dup). To our knowledge, this variant has not been reported in the literature. This variant is reported in 0.0035% of alleles in individuals of European (Non-Finnish) descent in gnomAD. At this time, the clinical significance of this variant is uncertain due to the absence of conclusive functional and genetic evidence.

Labcorp Genetics (formerly Invitae), Labcorp
Classification: Uncertain significance. Last evaluated: 2022-09-27. Review status: criteria provided, single submitter. Criteria: Invitae Variant Classification Sherloc (09022015). Collection method: clinical testing. Allele origin: germline.
Comment: This variant, c.6307_6312dup, results in the insertion of 2 amino acid(s) of the LRP2 protein (p.Asp2103_Val2104dup), but otherwise preserves the integrity of the reading frame. This variant is present in population databases (rs763640345, gnomAD 0.004%). This variant has not been reported in the literature in individuals affected with LRP2-related conditions. Experimental studies and prediction algorithms are not available or were not evaluated, and the functional significance of this variant is currently unknown. In summary, the available evidence is currently insufficient to determine the role of this variant in disease. Therefore, it has been classified as a Variant of Uncertain Significance.

NM_004525.3(LRP2):c.6301GATGTG[3] (p.2101DV[3])

Gene: LRP2 (LDL receptor related protein 2; minus strand). Cytogenetic location: 2q31.1.
Variant type: Microsatellite.
Coding change: c.6301GATGTG[3] on transcript NM_004525.3 (MANE Select); three copies in a row of the 6-base unit GATGTG starting at c.6301; the reference has two copies in a row; one copy, 6 bases duplicated.
Protein change: p.2101DV[3].
Molecular consequence: inframe insertion.
Genome position (GRCh38, 1-based): chr2:169,209,610-169,209,615, CACATC duplicated on the plus strand (GATGTG on the coding strand, the reverse complement: LRP2 is on the minus strand); duplicating any 6 consecutive bases within chr2:169,209,610-169,209,626 gives the same sequence; the position shown is the placement nearest the transcript's 3' end. VCF-style (leftmost placement, unchanged base first): chr2-169209609-A-ACACATC. GRCh37 (hg19) VCF-style: chr2-170066119-A-ACACATC.
Other names: c.6307_6312dup6 (NM_004525.2).
Identifiers: ClinVar variation 1470067 (VCV001470067.6), dbSNP rs763640345, ClinGen allele CA1954309.